The following is an entry in ClinVar:

NM_033380.3(COL4A5):c.2268TGGGCCACC[1] (p.758PPG[1])

Gene: COL4A5 (collagen type IV alpha 5 chain; plus strand). Cytogenetic location: Xq22.3.
Variant type: Microsatellite.
Coding change: c.2268TGGGCCACC[1] on transcript NM_033380.3 (MANE Select); one copy of the 9-base unit TGGGCCACC starting at c.2268; the reference has two copies in a row; one copy, 9 bases deleted.
Protein change: p.758PPG[1].
Molecular consequence: inframe deletion.
Genome position (GRCh38, 1-based): chrX:108,606,774-108,606,782, TGGGCCACC deleted; deleting any 9 consecutive bases within chrX:108,606,762-108,606,782 gives the same sequence; the position shown is the placement nearest the transcript's 3' end. VCF-style (leftmost placement, unchanged base first): chrX-108606761-TACCTGGGCC-T. GRCh37 (hg19) VCF-style: chrX-107849991-TACCTGGGCC-T.
Other names: c.2268TGGGCCACC[1], p.758PPG[1] (NM_000495.5); c.2277_2285delTGGGCCACC (NM_000495.4).
Identifiers: ClinVar variation 2916598 (VCV002916598.4), dbSNP rs1301484227, ClinGen allele CA643630028.

ClinVar aggregate classification (germline): Likely pathogenic. Review status: criteria provided, multiple submitters, no conflicts (2 of 4 stars). 2 submissions from 2 submitters: Likely pathogenic (2). Last evaluated 2025-08-20.

Conditions:
X-linked Alport syndrome (ATS1). Also called: COL4A5-Related Nephropathy; NEPHROPATHY AND DEAFNESS, X-LINKED. Identifiers: Orphanet 63, Orphanet 88917, MedGen C4746986, MONDO:0010520, OMIM 301050.

Submissions (2):

Labcorp Genetics (formerly Invitae), Labcorp
Classification: Likely pathogenic. Last evaluated: 2025-08-20. Review status: criteria provided, single submitter. Criteria: Invitae Variant Classification Sherloc (09022015). Collection method: clinical testing. Allele origin: germline.
Comment: This variant, c.2277_2285del, results in the deletion of 3 amino acid(s) of the COL4A5 protein (p.Pro761_Gly763del), but otherwise preserves the integrity of the reading frame. This variant is present in population databases (no rsID available, gnomAD 0.002%). This variant has not been reported in the literature in individuals affected with COL4A5-related conditions. This variant disrupts the triple helix domain of COL4A5. Glycine residues within the Gly-Xaa-Yaa repeats of the triple helix domain are required for the structure and stability of fibrillar collagens (PMID: 7695699, 8218237, 19344236). In COL4A5, missense variants at these glycine residues are significantly enriched in individuals with disease (PMID: 23720012, 27627812) compared to the general population (ExAC). In summary, the currently available evidence indicates that the variant is pathogenic, but additional data are needed to prove that conclusively. Therefore, this variant has been classified as Likely Pathogenic.

Natera, Inc.
Classification: Likely pathogenic for X-linked Alport syndrome. Last evaluated: 2025-02-03. Review status: criteria provided, single submitter. Criteria: Natera Variant Classification Schema (03/2026). Collection method: clinical testing. Allele origin: germline.
Comment: The c.2277_2285delTGGGCCACC variant in COL4A5 is an in-frame deletion predicted to remove proline at amino acid 761 while preserving the reading frame. This variant has been observed in affected individual(s) with monoallelic occurrence (heterozygous/hemizygous) (PMID: 31328266). This variant has been identified in one or more affected individual with a phenotype highly consistent with the associated gene (PMID:31328266). This variant is located in a functionally critical region of the protein. This variant results in a change to the protein length while preserving reading frame, which may disrupt normal protein structure or function. Given the available evidence, this variant is classified as Likely Pathogenic.

Literature cited by the submitters: PubMed 7695699 (cited by Labcorp Genetics (formerly Invitae), Labcorp); PubMed 8218237 (cited by Labcorp Genetics (formerly Invitae), Labcorp); PubMed 19344236 (cited by Labcorp Genetics (formerly Invitae), Labcorp); PubMed 23720012 (cited by Labcorp Genetics (formerly Invitae), Labcorp); PubMed 27627812 (cited by Labcorp Genetics (formerly Invitae), Labcorp); PubMed 31328266 (cited by Natera, Inc.).